The following is an entry in ClinVar:

NM_001370259.2(MEN1):c.1513G>A (p.Gly505Ser)

Gene: MEN1 (menin 1; minus strand). Cytogenetic location: 11q13.1.
Variant type: single nucleotide variant.
Coding change: c.1513G>A on transcript NM_001370259.2 (MANE Select); coding-DNA position 1513, G replaced by A.
Protein change: p.Gly505Ser; replaces glycine 505 with serine.
Molecular consequence: missense variant. On other transcripts: non-coding transcript variant (4).
Genome position (GRCh38, 1-based): chr11:64,804,654, C>T on the plus strand (G>A on the coding strand, the complement: MEN1 is on the minus strand). VCF-style: chr11-64804654-C-T. GRCh37 (hg19) VCF-style: chr11-64572126-C-T.
Other names: c.1528G>A, p.Gly510Ser (NM_000244.4, NM_130800.3, NM_130801.3 and 4 more transcripts); c.1639G>A, p.Gly547Ser (NM_001370251.2, NM_001407142.1, NM_001407143.1 and 1 more transcripts); c.1408G>A, p.Gly470Ser (NM_001407148.1, NM_001407149.1, NM_001370262.2 and 1 more transcripts); c.1654G>A, p.Gly552Ser (NM_001407150.1); c.1534G>A, p.Gly512Ser (NM_001407151.1); c.1348G>A, p.Gly450Ser (NM_001407152.1); c.1513G>A, p.Gly505Ser (NM_130799.3, NM_001370260.2, NM_001370261.2 and 2 more transcripts); short protein forms G512S, G547S, G552S, G470S, G505S, G510S, G450S.
Identifiers: ClinVar variation 2497548 (VCV002497548.3), dbSNP rs2136086916, ClinGen allele CA381178748.

ClinVar aggregate classification (germline): Uncertain significance. Review status: criteria provided, multiple submitters, no conflicts (2 of 4 stars). 2 submissions from 2 submitters: Uncertain significance (2). Last evaluated 2024-04-15.

Conditions:
Hereditary cancer-predisposing syndrome. Also called: Tumor predisposition; Hereditary neoplastic syndrome; Neoplastic Syndromes, Hereditary; Hereditary Cancer Syndrome. Identifiers: Orphanet 140162, MedGen C0027672, MeSH D009386, MONDO:0015356.
Multiple endocrine neoplasia, type 1 (MEN1). Also called: MEN I; WERMER SYNDROME; Endocrine adenomatosis multiple; MEN 1; MEA I. Identifiers: Orphanet 652, MedGen C0025267, MeSH D018761, MONDO:0007540, OMIM 131100.

Allele frequency attached by ClinVar (database versions not stated): gnomAD exomes below 0.00001.
gnomAD v4.1: 2 of 1,599,988 alleles (0.00013%); highest among the groups gnomAD compares: Non-Finnish European, 0.000085%; no homozygotes.

Submissions (2):

Labcorp Genetics (formerly Invitae), Labcorp
Classification: Uncertain significance for Multiple endocrine neoplasia, type 1. Last evaluated: 2024-04-15. Review status: criteria provided, single submitter. Criteria: Invitae Variant Classification Sherloc (09022015). Collection method: clinical testing. Allele origin: germline.
Comment: This sequence change replaces glycine, which is neutral and non-polar, with serine, which is neutral and polar, at codon 505 of the MEN1 protein (p.Gly505Ser). This variant is not present in population databases (gnomAD no frequency). This variant has not been reported in the literature in individuals affected with MEN1-related conditions. ClinVar contains an entry for this variant (Variation ID: 2497548). Advanced modeling of protein sequence and biophysical properties (such as structural, functional, and spatial information, amino acid conservation, physicochemical variation, residue mobility, and thermodynamic stability) performed at Invitae indicates that this missense variant is not expected to disrupt MEN1 protein function with a negative predictive value of 95%. In summary, the available evidence is currently insufficient to determine the role of this variant in disease. Therefore, it has been classified as a Variant of Uncertain Significance.

Ambry Genetics
Classification: Uncertain significance for Hereditary cancer-predisposing syndrome. Last evaluated: 2023-02-27. Review status: criteria provided, single submitter. Criteria: Ambry Variant Classification Scheme 2023. Collection method: clinical testing. Allele origin: germline.
Comment: The p.G505S variant (also known as c.1513G>A), located in coding exon 9 of the MEN1 gene, results from a G to A substitution at nucleotide position 1513. The glycine at codon 505 is replaced by serine, an amino acid with similar properties. This amino acid position is well conserved in available vertebrate species. In addition, this alteration is predicted to be tolerated by in silico analysis. Since supporting evidence is limited at this time, the clinical significance of this alteration remains unclear.

Literature cited by the submitters: PubMed 30869828 (cited by Ambry Genetics).